The following is an entry in ClinVar:

NM_001903.5(CTNNA1):c.1772T>C (p.Val591Ala)

Gene: CTNNA1 (catenin alpha 1; plus strand). Cytogenetic location: 5q31.2.
Variant type: single nucleotide variant.
Coding change: c.1772T>C on transcript NM_001903.5 (MANE Select); coding-DNA position 1772, T replaced by C.
Protein change: p.Val591Ala; replaces valine 591 with alanine.
Molecular consequence: missense variant.
Genome position (GRCh38, 1-based): chr5:138,925,280, T>C. VCF-style: chr5-138925280-T-C. GRCh37 (hg19) VCF-style: chr5-138260969-T-C.
Other names: c.1772T>C, p.Val591Ala (NM_001290307.3, NM_001323982.2, NM_001323983.1 and 2 more transcripts); c.1463T>C, p.Val488Ala (NM_001290309.3); c.1403T>C, p.Val468Ala (NM_001290310.3); c.662T>C, p.Val221Ala (NM_001290312.1, NM_001323987.1, NM_001323988.1 and 17 more transcripts); c.1679T>C, p.Val560Ala (NM_001323986.2); c.323T>C, p.Val108Ala (NM_001324006.1, NM_001324007.1, NM_001324008.1 and 2 more transcripts); c.569T>C, p.Val190Ala (NM_001324011.1); c.419T>C, p.Val140Ala (NM_001324012.1, NM_001324013.1); short protein forms V108A, V190A, V488A, V591A, V140A, V468A, V221A, V560A.
Identifiers: ClinVar variation 936372 (VCV000936372.13), dbSNP rs1274677659, ClinGen allele CA361132174.

ClinVar aggregate classification (germline): Uncertain significance. Review status: criteria provided, multiple submitters, no conflicts (2 of 4 stars). 2 submissions from 2 submitters: Uncertain significance (2). Last evaluated 2026-01-19.

Conditions:
Hereditary cancer-predisposing syndrome. Also called: Tumor predisposition; Hereditary neoplastic syndrome; Hereditary Cancer Syndrome; Neoplastic Syndromes, Hereditary. Identifiers: Orphanet 140162, MedGen C0027672, MeSH D009386, MONDO:0015356.

Allele frequency attached by ClinVar (database versions not stated): TOPMed below 0.00001; gnomAD 0.00001.
gnomAD v4.1: 1 of 1,613,894 alleles (0.000062%); highest among the groups gnomAD compares: Non-Finnish European, 0.000085%; no homozygotes.

Submissions (2):

Labcorp Genetics (formerly Invitae), Labcorp
Classification: Uncertain significance. Last evaluated: 2026-01-19. Review status: criteria provided, single submitter. Criteria: Invitae Variant Classification Sherloc (09022015). Collection method: clinical testing. Allele origin: germline.
Comment: This sequence change replaces valine, which is neutral and non-polar, with alanine, which is neutral and non-polar, at codon 591 of the CTNNA1 protein (p.Val591Ala). This variant is not present in population databases (gnomAD no frequency). This variant has not been reported in the literature in individuals affected with CTNNA1-related conditions. ClinVar contains an entry for this variant (Variation ID: 936372). Invitae Evidence Modeling of protein sequence and biophysical properties (such as structural, functional, and spatial information, amino acid conservation, physicochemical variation, residue mobility, and thermodynamic stability) indicates that this missense variant is not expected to disrupt CTNNA1 protein function with a negative predictive value of 80%. In summary, the available evidence is currently insufficient to determine the role of this variant in disease. Therefore, it has been classified as a Variant of Uncertain Significance.

Ambry Genetics
Classification: Uncertain significance for Hereditary cancer-predisposing syndrome. Last evaluated: 2024-08-06. Review status: criteria provided, single submitter. Criteria: Ambry Variant Classification Scheme 2023. Collection method: clinical testing. Allele origin: germline.
Comment: The p.V591A variant (also known as c.1772T>C), located in coding exon 12 of the CTNNA1 gene, results from a T to C substitution at nucleotide position 1772. The valine at codon 591 is replaced by alanine, an amino acid with similar properties. This amino acid position is conserved. In addition, this alteration is predicted to be tolerated by in silico analysis. Since supporting evidence is limited at this time, the clinical significance of this alteration remains unclear.